The following is an entry in ClinVar:

ClinVar aggregate classification (germline): Uncertain significance (1 of 4 stars; one submission).

Conditions:
CEACAM16-related disorder. Also called: CEACAM16-related condition.

gnomAD v4.1: 21 of 1,603,808 alleles (0.0013%); highest among the groups gnomAD compares: Non-Finnish European, 0.0017%; no homozygotes.

Submission:

PreventionGenetics, part of Exact Sciences
Classification: Uncertain significance for CEACAM16-related condition. Last evaluated: 2026-09-03. Review status: criteria provided, single submitter. Criteria: ACMG Guidelines, 2015. Collection method: clinical testing. Allele origin: germline.
Comment: The CEACAM16 c.1055G>A variant is predicted to result in the amino acid substitution p.Arg352His. This variant has been reported in heterozygous state in an individual with non-syndromic hearing loss (Table S2, Usami et al. 2022. PubMed ID: 34599366). This variant is reported in 0.0030% of alleles in individuals of Latino descent in gnomAD. At this time, the clinical significance of this variant is uncertain due to the absence of conclusive functional and genetic evidence.

NM_001039213.4(CEACAM16):c.1055G>A (p.Arg352His)

Genes: CEACAM16 (CEA cell adhesion molecule 16, tectorial membrane component; plus strand), CEACAM16-AS1 (CEACAM16, CEACAM19 and PVR antisense RNA 1; minus strand). Cytogenetic location: 19q13.32.
Variant type: single nucleotide variant.
Coding change: c.1055G>A on transcript NM_001039213.4 (MANE Select); coding-DNA position 1055, G replaced by A.
Protein change: p.Arg352His; replaces arginine 352 with histidine.
Molecular consequence: missense variant.
Genome position (GRCh38, 1-based): chr19:44,707,975, G>A. VCF-style: chr19-44707975-G-A. GRCh37 (hg19) VCF-style: chr19-45211247-G-A.
Other names: short protein forms R352H.
Identifiers: ClinVar variation 4986225 (VCV004986225.1).